The following is an entry in ClinVar:

NM_000017.4(ACADS):c.58A>G (p.Arg20Gly)

Gene: ACADS (acyl-CoA dehydrogenase short chain; plus strand). Cytogenetic location: 12q24.31.
Variant type: single nucleotide variant.
Coding change: c.58A>G on transcript NM_000017.4 (MANE Select); coding-DNA position 58, A replaced by G.
Protein change: p.Arg20Gly; replaces arginine 20 with glycine.
Molecular consequence: missense variant.
Genome position (GRCh38, 1-based): chr12:120,727,037, A>G. VCF-style: chr12-120727037-A-G. GRCh37 (hg19) VCF-style: chr12-121164840-A-G.
Other names: c.58A>G, p.Arg20Gly (NM_001302554.2); short protein forms R20G.
Identifiers: ClinVar variation 1057021 (VCV001057021.9), dbSNP rs745510897, ClinGen allele CA6830750.

ClinVar aggregate classification (germline): Uncertain significance (1 of 4 stars; one submission).

Conditions:
Deficiency of butyryl-CoA dehydrogenase (ACADSD). Also called: SCAD DEFICIENCY, MILD; ACYL-CoA DEHYDROGENASE, SHORT-CHAIN, DEFICIENCY OF; ACADS DEFICIENCY; SCAD Deficiency; SCADH DEFICIENCY; Short-Chain Acyl-CoA Dehydrogenase Deficiency. Identifiers: Orphanet 26792, MedGen C0342783, MONDO:0008722, OMIM 201470. Disease mechanism: May be benign.

Allele frequency attached by ClinVar (database versions not stated): ExAC 0.00001; gnomAD exomes 0.00002 and 0.00004; TOPMed 0.00002; gnomAD 0.00005.
gnomAD v4.1: 71 of 1,613,988 alleles (0.0044%); highest among the groups gnomAD compares: Non-Finnish European, 0.0053%; no homozygotes.

Submission:

Labcorp Genetics (formerly Invitae), Labcorp
Classification: Uncertain significance for Deficiency of butyryl-CoA dehydrogenase. Last evaluated: 2025-10-11. Review status: criteria provided, single submitter. Criteria: Invitae Variant Classification Sherloc (09022015). Collection method: clinical testing. Allele origin: germline.
Comment: This sequence change replaces arginine, which is basic and polar, with glycine, which is neutral and non-polar, at codon 20 of the ACADS protein (p.Arg20Gly). This variant is present in population databases (rs745510897, gnomAD 0.004%). This variant has not been reported in the literature in individuals affected with ACADS-related conditions. ClinVar contains an entry for this variant (Variation ID: 1057021). Invitae Evidence Modeling of protein sequence and biophysical properties (such as structural, functional, and spatial information, amino acid conservation, physicochemical variation, residue mobility, and thermodynamic stability) indicates that this missense variant is expected to disrupt ACADS protein function with a positive predictive value of 95%. In summary, the available evidence is currently insufficient to determine the role of this variant in disease. Therefore, it has been classified as a Variant of Uncertain Significance.